The following is an entry in ClinVar:

NM_198578.4(LRRK2):c.2204C>A (p.Ala735Asp)

Gene: LRRK2 (leucine rich repeat kinase 2; plus strand). Cytogenetic location: 12q12.
Variant type: single nucleotide variant.
Coding change: c.2204C>A on transcript NM_198578.4 (MANE Select); coding-DNA position 2204, C replaced by A.
Protein change: p.Ala735Asp; replaces alanine 735 with aspartic acid.
Molecular consequence: missense variant.
Genome position (GRCh38, 1-based): chr12:40,278,224, C>A. VCF-style: chr12-40278224-C-A. GRCh37 (hg19) VCF-style: chr12-40672026-C-A.
Other names: c.2204C>A (NM_198578.3); short protein forms A735D.
Identifiers: ClinVar variation 1350386 (VCV001350386.9), dbSNP rs1943543236, ClinGen allele CA384405254.
Genomic context (GRCh38, chr12:40,278,224, plus strand): 5'-GAGCGTGTGATCAGAATAACAGCATCATGGTTGAATGCTTGCTTCTATTGGGAGCAGATG[C>A]CAATCAAGCAAAGGAGGGATCTTCTTTAATTTGTCAGGTAAATATTCAAGGCCTCACTTT-3'
Protein context (NP_940980.4, residues 725-745): VECLLLLGAD[Ala735Asp]NQAKEGSSLI

ClinVar aggregate classification (germline): Uncertain significance. Review status: criteria provided, multiple submitters, no conflicts (2 of 4 stars). 2 submissions from 2 submitters: Uncertain significance (2). Last evaluated 2024-05-20.

Conditions:
Inborn genetic diseases. Identifiers: MedGen C0950123, MeSH D030342.
Autosomal dominant Parkinson disease 8. Also called: Parkinson disease 8, susceptibility to; LRRK2-Related Parkinson Disease; Parkinson disease 8. Identifiers: Orphanet 411602, MedGen C1846862, MONDO:0011764, OMIM 607060.

Allele frequency attached by ClinVar (database versions not stated): gnomAD 0.00001.
gnomAD v4.1: 1 of 1,613,986 alleles (0.000062%); highest among the groups gnomAD compares: Non-Finnish European, 0.000085%; no homozygotes.

Submissions (2):

Ambry Genetics
Classification: Uncertain significance for Inborn genetic diseases. Last evaluated: 2024-05-20. Review status: criteria provided, single submitter. Criteria: Ambry Variant Classification Scheme 2023. Collection method: clinical testing. Allele origin: germline.
Comment: The p.A735D variant (also known as c.2204C>A), located in coding exon 18 of the LRRK2 gene, results from a C to A substitution at nucleotide position 2204. The alanine at codon 735 is replaced by aspartic acid, an amino acid with dissimilar properties. This amino acid position is conserved. In addition, the in silico prediction for this alteration is inconclusive. Based on the available evidence, the clinical significance of this variant remains unclear.

Labcorp Genetics (formerly Invitae), Labcorp
Classification: Uncertain significance for Autosomal dominant Parkinson disease 8. Last evaluated: 2022-07-11. Review status: criteria provided, single submitter. Criteria: Invitae Variant Classification Sherloc (09022015). Collection method: clinical testing. Allele origin: germline.
Comment: This variant is not present in population databases (gnomAD no frequency). In summary, the available evidence is currently insufficient to determine the role of this variant in disease. Therefore, it has been classified as a Variant of Uncertain Significance. Algorithms developed to predict the effect of missense changes on protein structure and function are either unavailable or do not agree on the potential impact of this missense change (SIFT: "Deleterious"; PolyPhen-2: "Benign"; Align-GVGD: "Class C0"). ClinVar contains an entry for this variant (Variation ID: 1350386). This variant has not been reported in the literature in individuals affected with LRRK2-related conditions. This sequence change replaces alanine, which is neutral and non-polar, with aspartic acid, which is acidic and polar, at codon 735 of the LRRK2 protein (p.Ala735Asp).